The following is an entry in ClinVar:

NM_145054.5(CFAP52):c.788G>A (p.Gly263Asp)

Gene: CFAP52 (cilia and flagella associated protein 52; plus strand). Cytogenetic location: 17p13.1.
Variant type: single nucleotide variant.
Coding change: c.788G>A on transcript NM_145054.5 (MANE Select); coding-DNA position 788, G replaced by A.
Protein change: p.Gly263Asp; replaces glycine 263 with aspartic acid.
Molecular consequence: missense variant.
Genome position (GRCh38, 1-based): chr17:9,608,153, G>A. VCF-style: chr17-9608153-G-A. GRCh37 (hg19) VCF-style: chr17-9511470-G-A.
Other names: c.584G>A, p.Gly195Asp (NM_001080556.2); short protein forms G195D, G263D.
Identifiers: ClinVar variation 707233 (VCV000707233.14), dbSNP rs139646620, ClinGen allele CA8382023.

ClinVar aggregate classification (germline): Conflicting classifications of pathogenicity. Review status: criteria provided, conflicting classifications (1 of 4 stars). 3 submissions from 3 submitters: Uncertain significance (1); Likely benign (1). 1 of the submissions does not count toward it. Last evaluated 2025-08-08.

Conditions:
CFAP52-related disorder. Also called: CFAP52-related condition.
Situs inversus. Also called: Situs inversus totalis. Identifiers: Orphanet 101063, MedGen C4551493, MONDO:0010029, HP:0001696.

Allele frequency attached by ClinVar (database versions not stated): 1000 Genomes Project 30x 0.00094; 1000 Genomes Project 0.00100; gnomAD 0.00225 and 0.00230; TOPMed 0.00229; ESP Exome Variant Server 0.00238.

Submissions (3):

Ambry Genetics
Classification: Uncertain significance. Last evaluated: 2025-08-08. Review status: criteria provided, single submitter. Criteria: Ambry Variant Classification Scheme 2023. Collection method: clinical testing. Allele origin: germline.

Labcorp Genetics (formerly Invitae), Labcorp
Classification: Likely benign for Situs inversus. Last evaluated: 2024-04-05. Review status: criteria provided, single submitter. Criteria: Invitae Variant Classification Sherloc (09022015). Collection method: clinical testing. Allele origin: germline.

PreventionGenetics, part of Exact Sciences
Classification: Likely benign for CFAP52-related condition. Last evaluated: 2023-01-12. Review status: no assertion criteria provided. Collection method: clinical testing. Allele origin: germline. Not counted in ClinVar's aggregate classification.
Comment: This variant is classified as likely benign based on ACMG/AMP sequence variant interpretation guidelines (Richards et al. 2015 PMID: 25741868, with internal and published modifications).